The following is an entry in ClinVar:

ClinVar aggregate classification (germline): Uncertain significance (1 of 4 stars; one submission).

Conditions:
Hereditary cancer-predisposing syndrome. Also called: Tumor predisposition; Hereditary neoplastic syndrome; Hereditary Cancer Syndrome; Neoplastic Syndromes, Hereditary. Identifiers: Orphanet 140162, MedGen C0027672, MeSH D009386, MONDO:0015356.

Submission:

Ambry Genetics
Classification: Uncertain significance for Hereditary cancer-predisposing syndrome. Last evaluated: 2025-04-11. Review status: criteria provided, single submitter. Criteria: Ambry Variant Classification Scheme 2023. Collection method: clinical testing. Allele origin: germline.
Comment: The p.G1057C variant (also known as c.3169G>T), located in coding exon 21 of the TSC1 gene, results from a G to T substitution at nucleotide position 3169. The glycine at codon 1057 is replaced by cysteine, an amino acid with highly dissimilar properties. This amino acid position is conserved. In addition, this alteration is predicted to be tolerated by in silico analysis. Based on the available evidence, the clinical significance of this variant remains unclear.

NM_000368.5(TSC1):c.3169G>T (p.Gly1057Cys)

Gene: TSC1 (TSC complex subunit 1; minus strand). Cytogenetic location: 9q34.13.
Variant type: single nucleotide variant.
Coding change: c.3169G>T on transcript NM_000368.5 (MANE Select); coding-DNA position 3169, G replaced by T.
Protein change: p.Gly1057Cys; replaces glycine 1057 with cysteine.
Molecular consequence: missense variant. On other transcripts: non-coding transcript variant (5).
Genome position (GRCh38, 1-based): chr9:132,896,561, C>A on the plus strand (G>T on the coding strand, the complement: TSC1 is on the minus strand). VCF-style: chr9-132896561-C-A. GRCh37 (hg19) VCF-style: chr9-135771948-C-A.
Other names: c.2764G>T, p.Gly922Cys (NM_001406624.1); c.2761G>T, p.Gly921Cys (NM_001406625.1); c.2218G>T, p.Gly740Cys (NM_001406626.1); c.2215G>T, p.Gly739Cys (NM_001406627.1, NM_001406628.1); c.2116G>T, p.Gly706Cys (NM_001406629.1, NM_001406630.1); c.3166G>T, p.Gly1056Cys (NM_001162426.2, NM_001406597.1, NM_001406598.1 and 2 more transcripts); c.3016G>T, p.Gly1006Cys (NM_001162427.2, NM_001406610.1); c.2806G>T, p.Gly936Cys (NM_001362177.2, NM_001406614.1, NM_001406615.1 and 4 more transcripts); and 8 more; short protein forms G1043C, G1051C, G991C, G1005C, G1052C, G1056C, G706C, G739C.
Identifiers: ClinVar variation 3974554 (VCV003974554.1).